The following is an entry in ClinVar:

NM_001163435.3(TBCK):c.1130A>G (p.Asp377Gly)

Gene: TBCK (TBC1 domain containing kinase; minus strand). Cytogenetic location: 4q24.
Variant type: single nucleotide variant.
Coding change: c.1130A>G on transcript NM_001163435.3 (MANE Select); coding-DNA position 1130, A replaced by G.
Protein change: p.Asp377Gly; replaces aspartic acid 377 with glycine.
Molecular consequence: missense variant.
Genome position (GRCh38, 1-based): chr4:106,242,510, T>C on the plus strand (A>G on the coding strand, the complement: TBCK is on the minus strand). VCF-style: chr4-106242510-T-C. GRCh37 (hg19) VCF-style: chr4-107163667-T-C.
Other names: c.1130A>G, p.Asp377Gly (NM_001163436.4); c.1013A>G, p.Asp338Gly (NM_001163437.3); c.614A>G, p.Asp205Gly (NM_001290768.2); c.941A>G, p.Asp314Gly (NM_033115.5); short protein forms D338G, D205G, D314G, D377G.
Identifiers: ClinVar variation 1401235 (VCV001401235.3), dbSNP rs34840340, ClinGen allele CA3035184.

ClinVar aggregate classification (germline): Uncertain significance (1 of 4 stars; one submission).

gnomAD v4.1: 4 of 1,609,708 alleles (0.00025%); highest among the groups gnomAD compares: Non-Finnish European, 0.00034%; no homozygotes.

Submission:

Labcorp Genetics (formerly Invitae), Labcorp
Classification: Uncertain significance. Last evaluated: 2022-05-16. Review status: criteria provided, single submitter. Criteria: Invitae Variant Classification Sherloc (09022015). Collection method: clinical testing. Allele origin: germline.
Comment: This sequence change replaces aspartic acid, which is acidic and polar, with glycine, which is neutral and non-polar, at codon 377 of the TBCK protein (p.Asp377Gly). This variant is present in population databases (rs34840340, gnomAD 0.0009%). This variant has not been reported in the literature in individuals affected with TBCK-related conditions. Algorithms developed to predict the effect of missense changes on protein structure and function are either unavailable or do not agree on the potential impact of this missense change (SIFT: "Deleterious"; PolyPhen-2: "Probably Damaging"; Align-GVGD: "Class C0"). Algorithms developed to predict the effect of sequence changes on RNA splicing suggest that this variant may disrupt the consensus splice site. In summary, the available evidence is currently insufficient to determine the role of this variant in disease. Therefore, it has been classified as a Variant of Uncertain Significance.